The following is an entry in ClinVar:

ClinVar aggregate classification (germline): Conflicting classifications of pathogenicity. Review status: criteria provided, conflicting classifications (1 of 4 stars). 8 submissions from 8 submitters: Likely pathogenic (3); Uncertain significance (3). 2 of the submissions do not count toward it. Last evaluated 2026-03-06.

Conditions:
Cardiovascular phenotype. Identifiers: MedGen CN230736.
Cardiomyopathy (CMYO). Also called: Cardiomyopathies. Identifiers: Orphanet 167848, MedGen C0878544, MONDO:0004994, HP:0001638. Inheritance: Various modes of inheritance.
Hypertrophic cardiomyopathy. Also called: HYPERTROPHIC MYOCARDIOPATHY. Identifiers: Orphanet 217569, MedGen C0007194, MeSH D002312, MONDO:0005045, HP:0001639.

Allele frequency attached by ClinVar (database versions not stated): gnomAD exomes below 0.00001 and 0.00001; TOPMed below 0.00001; ExAC 0.00001; gnomAD 0.00001.
gnomAD v4.1: 10 of 1,614,062 alleles (0.00062%); highest among the groups gnomAD compares: South Asian, 0.0022%; no homozygotes.

Submissions (8):

Molecular Diagnostic Laboratory for Inherited Cardiovascular Disease, Montreal Heart Institute
Classification: Likely pathogenic for Cardiovascular phenotype. Last evaluated: 2026-03-06. Review status: criteria provided, single submitter. Criteria: ACMG Guidelines, 2015. Collection method: clinical testing. Allele origin: germline. Affected: yes.
Comment: PM1, PM2, PM5_supp, PP3

Ambry Genetics
Classification: Likely pathogenic for Cardiovascular phenotype. Last evaluated: 2025-08-20. Review status: criteria provided, single submitter. Criteria: Ambry Variant Classification Scheme 2023. Collection method: clinical testing. Allele origin: germline.
Comment: The p.R819Q variant (also known as c.2456G>A), located in coding exon 20 of the MYH7 gene, results from a G to A substitution at nucleotide position 2456. The arginine at codon 819 is replaced by glutamine, an amino acid with highly similar properties. This variant was reported in individual(s) with features consistent with MYH7-related cardiomyopathy (Kassem HSh et al. J Cardiovasc Transl Res, 2013 Feb;6:65-80, Walsh R et al. Genet Med, 2017 02;19:192-203; Ambry internal data). This alteration has been observed in whole-genome or exome sequencing cohorts (Yamaguchi-Kabata Y et al. J Hum Genet, 2018 Feb;63:213-230; Homburger JR et al. Proc Natl Acad Sci U S A, 2016 Jun;113:6701-6). This alteration has also been seen in a biobank cohort (Park J et al. Hum Mol Genet, 2022 Mar;31:827-837). This alteration is located in the myosin head domain, which contains a statistically significant clustering of pathogenic missense variants (Homburger JR et al. Proc Natl Acad Sci U S A, 2016 06;113:6701-6; Walsh R et al. Genet Med, 2017 02;19:192-203; Ambry internal data). This amino acid position is highly conserved in available vertebrate species. In addition, this alteration is predicted to be deleterious by in silico analysis. Based on the majority of available evidence to date, this variant is likely to be pathogenic.

Labcorp Genetics (formerly Invitae), Labcorp
Classification: Likely pathogenic for Hypertrophic cardiomyopathy. Last evaluated: 2025-05-11. Review status: criteria provided, single submitter. Criteria: Invitae Variant Classification Sherloc (09022015). Collection method: clinical testing. Allele origin: germline.
Comment: This sequence change replaces arginine, which is basic and polar, with glutamine, which is neutral and polar, at codon 819 of the MYH7 protein (p.Arg819Gln). This variant is present in population databases (rs773009513, gnomAD 0.003%). This missense change has been observed in individuals with clinical features of distal myopathy and/or hypertrophic cardiomyopathy (PMID: 23233322, 27532257, 37652022; internal data). ClinVar contains an entry for this variant (Variation ID: 569140). Invitae Evidence Modeling of protein sequence and biophysical properties (such as structural, functional, and spatial information, amino acid conservation, physicochemical variation, residue mobility, and thermodynamic stability) indicates that this missense variant is expected to disrupt MYH7 protein function with a positive predictive value of 95%. In summary, the currently available evidence indicates that the variant is pathogenic, but additional data are needed to prove that conclusively. Therefore, this variant has been classified as Likely Pathogenic.

Color Diagnostics, LLC DBA Color Health
Classification: Uncertain significance for Cardiomyopathy. Last evaluated: 2024-01-29. Review status: criteria provided, single submitter. Criteria: ACMG Guidelines, 2015. Collection method: clinical testing. Allele origin: germline.
Comment: This missense variant replaces arginine with glutamine at codon 819 of the MYH7 protein. This variant is found within a highly conserved region of the myosin head domain. Missense variants in this region have been shown to be significantly overrepresented in individuals with affected with hypertrophic cardiomyopathy (PMID: 27532257). Computational prediction tools indicate that this variant has a deleterious impact on protein structure and function. To our knowledge, functional studies have not been reported for this variant. This variant has been reported in one individual affected with hypertrophic cardiomyopathy (PMID: 23233322) and in one individual affected with dilated cardiomyopathy (PMID: 27532257). This variant has been identified in 1/251444 chromosomes in the general population by the Genome Aggregation Database (gnomAD). The available evidence is insufficient to determine the role of this variant in disease conclusively. Therefore, this variant is classified as a Variant of Uncertain Significance.

CHEO Genetics Diagnostic Laboratory, Children's Hospital of Eastern Ontario
Classification: Uncertain significance for Cardiomyopathy. Last evaluated: 2022-05-16. Review status: criteria provided, single submitter. Criteria: ACMG Guidelines, 2015. Collection method: clinical testing. Allele origin: germline.

Blueprint Genetics
Classification: Uncertain significance. Last evaluated: 2020-11-23. Review status: criteria provided, single submitter. Criteria: ACMG Guidelines, 2015. Collection method: clinical testing. Allele origin: germline.

Clinical Genetics, Academic Medical Center
Classification: Uncertain significance. Review status: no assertion criteria provided. Collection method: clinical testing. Allele origin: germline. Affected: yes. Study: VKGL Data-share Consensus. Not counted in ClinVar's aggregate classification.

Joint Genome Diagnostic Labs from Nijmegen and Maastricht, Radboudumc and MUMC+
Classification: Uncertain significance. Review status: no assertion criteria provided. Collection method: clinical testing. Allele origin: germline. Affected: yes. Study: VKGL Data-share Consensus. Not counted in ClinVar's aggregate classification.

Literature cited by the submitters: PubMed 23233322 (cited by 3 submitters); PubMed 27247418 (cited by Ambry Genetics); PubMed 27532257 (cited by 3 submitters); PubMed 29192238 (cited by Ambry Genetics); PubMed 34542152 (cited by Ambry Genetics); PubMed 34675999 (cited by Ambry Genetics); PubMed 37652022 (cited by Labcorp Genetics (formerly Invitae), Labcorp).

NM_000257.4(MYH7):c.2456G>A (p.Arg819Gln)

Genes: MYH7 (myosin heavy chain 7; minus strand), LOC126861898 (BRD4-independent group 4 enhancer GRCh37_chr14:23893609-23894808; plus strand). Cytogenetic location: 14q11.2.
Variant type: single nucleotide variant.
Coding change: c.2456G>A on transcript NM_000257.4 (MANE Select); coding-DNA position 2456, G replaced by A.
Protein change: p.Arg819Gln; replaces arginine 819 with glutamine.
Molecular consequence: missense variant.
Genome position (GRCh38, 1-based): chr14:23,424,992, C>T on the plus strand (G>A on the coding strand, the complement: MYH7 is on the minus strand). VCF-style: chr14-23424992-C-T. GRCh37 (hg19) VCF-style: chr14-23894201-C-T.
Other names: c.2456G>A (NM_000257.2); short protein forms R819Q.
Identifiers: ClinVar variation 569140 (VCV000569140.22), dbSNP rs773009513, ClinGen allele CA032972.